The following is an entry in ClinVar:

NM_000127.3(EXT1):c.803G>A (p.Gly268Glu)

Gene: EXT1 (exostosin glycosyltransferase 1; minus strand). Cytogenetic location: 8q24.11.
Variant type: single nucleotide variant.
Coding change: c.803G>A on transcript NM_000127.3 (MANE Select); coding-DNA position 803, G replaced by A.
Protein change: p.Gly268Glu; replaces glycine 268 with glutamic acid.
Molecular consequence: missense variant.
Genome position (GRCh38, 1-based): chr8:118,110,244, C>T on the plus strand (G>A on the coding strand, the complement: EXT1 is on the minus strand). VCF-style: chr8-118110244-C-T. GRCh37 (hg19) VCF-style: chr8-119122483-C-T.
Other names: short protein forms G268E.
Identifiers: ClinVar variation 265126 (VCV000265126.10), dbSNP rs886039352, ClinGen allele CA10588451.

ClinVar aggregate classification (germline): Pathogenic/Likely pathogenic. Review status: criteria provided, multiple submitters, no conflicts (2 of 4 stars). 2 submissions from 2 submitters: Pathogenic (1); Likely pathogenic (1). Last evaluated 2021-05-29.

Conditions:
Multiple congenital exostosis (EXT). Also called: Multiple osteochondromas; Hereditary multiple osteochondromas; MULTIPLE CARTILAGINOUS EXOSTOSES; Multiple exostoses; Hereditary multiple exostoses; Hereditary multiple exostosis. Identifiers: Orphanet 321, MedGen C0015306, MONDO:0005508, HP:0002762.

Allele frequency attached by ClinVar (database versions not stated): gnomAD exomes below 0.00001.
gnomAD v4.1: 1 of 1,614,160 alleles (0.000062%); highest among the groups gnomAD compares: Non-Finnish European, 0.000085%; no homozygotes.

Submissions (2):

Labcorp Genetics (formerly Invitae), Labcorp
Classification: Pathogenic for Multiple congenital exostosis. Last evaluated: 2021-05-29. Review status: criteria provided, single submitter. Criteria: Invitae Variant Classification Sherloc (09022015). Collection method: clinical testing. Allele origin: germline.
Comment: For these reasons, this variant has been classified as Pathogenic. This sequence change replaces glycine with glutamic acid at codon 268 of the EXT1 protein (p.Gly268Glu). The glycine residue is highly conserved and there is a moderate physicochemical difference between glycine and glutamic acid. This variant is not present in population databases (ExAC no frequency). This variant has been observed in individual(s) with multiple osteochondromatosis (PMID: 29529714). ClinVar contains an entry for this variant (Variation ID: 265126). Advanced modeling of protein sequence and biophysical properties (such as structural, functional, and spatial information, amino acid conservation, physicochemical variation, residue mobility, and thermodynamic stability) performed at Invitae indicates that this missense variant is expected to disrupt EXT1 protein function. This variant disrupts the p.p.Gly268 amino acid residue in EXT1. Other variant(s) that disrupt this residue have been determined to be pathogenic (PMID: 19810120, Invitae). This suggests that this residue is clinically significant, and that variants that disrupt this residue are likely to be disease-causing.

GeneDx
Classification: Likely pathogenic. Last evaluated: 2017-03-22. Review status: criteria provided, single submitter. Criteria: GeneDx Variant Classification (06012015). Collection method: clinical testing. Allele origin: germline. Affected: yes.
Comment: The G268E variant has not been published as a pathogenic variant, nor has it been reported as a benign polymorphism to our knowledge. The G268E variant was not observed in approximately 6,500 individuals of European and African American ancestry in the NHLBI Exome Sequencing Project, indicating it is not a common benign variant in these populations. The G268E variant has been observed apparently de novo and also segregated in affected family members at GeneDx. It is a non-conservative amino acid substitution, which is likely to impact secondary protein structure as these residues differ in polarity, charge, size and/or other properties. This substitution occurs at a position that is conserved across species. Another variant at this position, G268R, has been reported in the literature in association with multiple osteochondromas (Jennes et al., 2009). Missense variants in nearby residues (L264P, R270W, Y271N, Y271H, Y271C) have also been reported in the Human Gene Mutation Database in association with EXT1-related disorders (Stenson et al., 2014), supporting the functional importance of this region of the protein. Therefore, G268E is interpreted to be a likely pathogenic variant.

Literature cited by the submitters: PubMed 29529714 (cited by Labcorp Genetics (formerly Invitae), Labcorp); PubMed 19810120 (cited by Labcorp Genetics (formerly Invitae), Labcorp).